The following is an entry in ClinVar:

ClinVar aggregate classification (germline): Conflicting classifications of pathogenicity. Review status: criteria provided, conflicting classifications (1 of 4 stars). 2 submissions from 2 submitters: Pathogenic (1); Uncertain significance (1). Last evaluated 2026-06-23.

Conditions:
Sessile serrated polyposis cancer syndrome (SSPCS). Identifiers: Orphanet 157798, MedGen C4310714, MONDO:0014919, OMIM 617108.

Submissions (2):

Myriad Genetics, Inc.
Classification: Pathogenic for Sessile serrated polyposis cancer syndrome. Last evaluated: 2026-06-23. Review status: criteria provided, single submitter. Criteria: Myriad Autosomal Dominant, Autosomal Recessive and X-Linked Classification Criteria (2023). Collection method: clinical testing. Allele origin: unknown.
Comment: This variant is considered pathogenic. This variant creates a frameshift predicted to result in premature protein truncation.

Ambry Genetics
Classification: Uncertain significance. Last evaluated: 2025-07-15. Review status: criteria provided, single submitter. Criteria: Ambry Variant Classification Scheme 2023. Collection method: clinical testing. Allele origin: germline.
Comment: The c.1322_1323delCT variant, located in coding exon 8 of the RNF43 gene, results from a deletion of two nucleotides at nucleotide positions 1322 to 1323, causing a translational frameshift with a predicted alternate stop codon (p.P441Rfs*24). The evidence for this gene-disease relationship is limited; therefore, the clinical significance of this alteration is unclear.

NM_017763.6(RNF43):c.1322_1323del (p.Pro441fs)

Gene: RNF43 (ring finger protein 43; minus strand). Cytogenetic location: 17q22.
Variant type: Deletion.
Coding change: c.1322_1323del on transcript NM_017763.6 (MANE Select); coding-DNA positions 1322 to 1323, 2 bases deleted (CT; older notation c.1322_1323delCT).
Protein change: p.Pro441fs; shifts the reading frame from proline 441.
Molecular consequence: frameshift variant.
Genome position (GRCh38, 1-based): chr17:58,358,453-58,358,454, AG deleted on the plus strand (CT on the coding strand, the reverse complement: RNF43 is on the minus strand). VCF-style (leftmost placement, unchanged base first): chr17-58358452-CAG-C. GRCh37 (hg19) VCF-style: chr17-56435813-CAG-C.
Other names: c.1322_1323del, p.Pro441fs (NM_001305544.3, NM_001438820.1, NM_001438821.1 and 1 more transcripts); c.941_942del, p.Pro314fs (NM_001305545.2, NM_001437987.1); short protein forms P314fs, P441fs.
Identifiers: ClinVar variation 4155749 (VCV004155749.2).
Genomic context (GRCh38, chr17:58,358,452, plus strand): 5'-GCCCATCTGCCAGGTACCCACTGCGTTCTGTGCAATAGCTTTCTCCAGATCCACTGCTGT[CAG>C]GGGGCCTGGCCCGGCGTAGGGGCACTGGGCAAGCAGCAGGGTGCTGTGAGGTGGATTGGA-3'